The following is an entry in ClinVar:

ClinVar aggregate classification (germline): Pathogenic. Review status: criteria provided, multiple submitters, no conflicts (2 of 4 stars). 2 submissions from 2 submitters: Pathogenic (2). Last evaluated 2024-04-29.

Conditions:
Telangiectasia, hereditary hemorrhagic, type 2 (HHT2). Also called: Telangiectasia, hereditary hemorrhagic, type II; ACVRL1-Related Hereditary Hemorrhagic Telangiectasia. Identifiers: Orphanet 774, MedGen C1838163, MONDO:0010880, OMIM 600376. Disease mechanism: loss of function.

Submissions (2):

Labcorp Genetics (formerly Invitae), Labcorp
Classification: Pathogenic for Telangiectasia, hereditary hemorrhagic, type 2. Last evaluated: 2024-04-29. Review status: criteria provided, single submitter. Criteria: Invitae Variant Classification Sherloc (09022015). Collection method: clinical testing. Allele origin: germline.
Comment: This sequence change creates a premature translational stop signal (p.His87Thrfs*35) in the ACVRL1 gene. It is expected to result in an absent or disrupted protein product. Loss-of-function variants in ACVRL1 are known to be pathogenic (PMID: 15879500). This variant is not present in population databases (gnomAD no frequency). This premature translational stop signal has been observed in individual(s) with hereditary hemorrhagic telangiectasia (PMID: 32573726). This variant is also known as c.258delC. ClinVar contains an entry for this variant (Variation ID: 982454). For these reasons, this variant has been classified as Pathogenic.

NIHR Bioresource Rare Diseases, University of Cambridge
Classification: Pathogenic for Telangiectasia, hereditary hemorrhagic, type 2. Last evaluated: 2018-01-01. Review status: criteria provided, single submitter. Criteria: ACMG Guidelines, 2015. Collection method: research. Allele origin: unknown. Affected: yes. Observed: 1 variant allele.
Comment: PVS1+PM2+PP4

Literature cited by the submitters: PubMed 15879500 (cited by Labcorp Genetics (formerly Invitae), Labcorp); PubMed 32573726 (cited by Labcorp Genetics (formerly Invitae), Labcorp and NIHR Bioresource Rare Diseases, University of Cambridge).

NM_000020.3(ACVRL1):c.259del (p.His87fs)

Gene: ACVRL1 (activin A receptor like type 1; plus strand). Cytogenetic location: 12q13.13.
Variant type: Deletion.
Coding change: c.259del on transcript NM_000020.3 (MANE Select); coding-DNA position 259, one base deleted (C; older notation c.259delC).
Protein change: p.His87fs; shifts the reading frame from histidine 87.
Molecular consequence: frameshift variant.
Genome position (GRCh38, 1-based): chr12:51,913,296, C deleted; the last of 2 consecutive C bases (chr12:51,913,295-51,913,296); deleting either gives the same sequence. VCF-style (leftmost placement, unchanged base first): chr12-51913294-AC-A. GRCh37 (hg19) VCF-style: chr12-52307078-AC-A.
Other names: c.259del, p.His87fs (NM_001077401.2); short protein forms H87fs.
Identifiers: ClinVar variation 982454 (VCV000982454.3), dbSNP rs1940739463, ClinGen allele CA1139662695.